The following is an entry in ClinVar:

NM_006445.4(PRPF8):c.6182A>G (p.Asn2061Ser)

Gene: PRPF8 (pre-mRNA processing factor 8; minus strand). Cytogenetic location: 17p13.3.
Variant type: single nucleotide variant.
Coding change: c.6182A>G on transcript NM_006445.4 (MANE Select); coding-DNA position 6182, A replaced by G.
Protein change: p.Asn2061Ser; replaces asparagine 2061 with serine.
Molecular consequence: missense variant.
Genome position (GRCh38, 1-based): chr17:1,653,822, T>C on the plus strand (A>G on the coding strand, the complement: PRPF8 is on the minus strand). VCF-style: chr17-1653822-T-C. GRCh37 (hg19) VCF-style: chr17-1557116-T-C.
Other names: short protein forms N2061S.
Identifiers: ClinVar variation 4759341 (VCV004759341.1).
Genomic context (GRCh38, chr17:1,653,822, plus strand): 5'-CTTGCCCGACAGTACCTGACCCTCCACTCAGTCTTGGATGAGAAAGTCTGGGTCTCATAG[T>C]TGCTGGTGGTGGAGGTGATGATCTCATCGCCATGCTTGTTGACAGTGCGAGTCTGTGTTG-3'
Protein context (NP_006436.3, residues 2051-2071): GDEIITSTTS[Asn2061Ser]YETQTFSSKT

ClinVar aggregate classification (germline): Likely benign (1 of 4 stars; one submission).

Conditions:
Retinitis pigmentosa 13 (RP13). Also called: PRPF 8-Related Retinitis Pigmentosa. Identifiers: Orphanet 791, MedGen C1838702, MONDO:0010806, OMIM 600059.

gnomAD v4.1: 2 of 1,614,158 alleles (0.00012%); highest among the groups gnomAD compares: Non-Finnish European, 0.00017%; no homozygotes.

Submission:

Centre for Medical Genetics,  Mumbai
Classification: Likely benign for Retinitis pigmentosa 13. Last evaluated: 2026-02-12. Review status: criteria provided, single submitter. Criteria: ACMG Guidelines, 2015. Collection method: provider interpretation. Allele origin: germline. Inheritance: Autosomal dominant inheritance. Affected: no. Observed: 1 heterozygote.
Comment: The variant satisfies PM2 criteria; Extremely low frequency in gnomAD population databases. The variant satisfies PP2 criteria; Missense variant in a gene with low rate of benign missense mutations and for which missense mutation is a common mechanism of a disease. However, the variant satisfies BS2 criteria.

Literature cited by the submitters: PubMed 11468273.